The following is an entry in ClinVar:

NM_177438.3(DICER1):c.1729A>G (p.Lys577Glu)

Gene: DICER1 (dicer 1, ribonuclease III; minus strand). Cytogenetic location: 14q32.13.
Variant type: single nucleotide variant.
Coding change: c.1729A>G on transcript NM_177438.3 (MANE Select); coding-DNA position 1729, A replaced by G.
Protein change: p.Lys577Glu; replaces lysine 577 with glutamic acid.
Molecular consequence: missense variant. On other transcripts: non-coding transcript variant (6).
Genome position (GRCh38, 1-based): chr14:95,116,476, T>C on the plus strand (A>G on the coding strand, the complement: DICER1 is on the minus strand). VCF-style: chr14-95116476-T-C. GRCh37 (hg19) VCF-style: chr14-95582813-T-C.
Other names: c.1729A>G, p.Lys577Glu (NM_001195573.1, NM_001271282.3, NM_001291628.2 and 12 more transcripts); c.1324A>G, p.Lys442Glu (NM_001395689.1, NM_001395690.1, NM_001395696.1 and 3 more transcripts); c.1162A>G, p.Lys388Glu (NM_001395691.1); c.46A>G, p.Lys16Glu (NM_001395697.1); c.1447A>G, p.Lys483Glu (NM_001395686.1); short protein forms K483E, K442E, K577E, K16E, K388E.
Identifiers: ClinVar variation 4843066 (VCV004843066.1).

ClinVar aggregate classification (germline): Uncertain significance (1 of 4 stars; one submission).

Conditions:
Hereditary cancer-predisposing syndrome. Also called: Neoplastic Syndromes, Hereditary; Tumor predisposition; Hereditary Cancer Syndrome; Hereditary neoplastic syndrome. Identifiers: Orphanet 140162, MedGen C0027672, MeSH D009386, MONDO:0015356.

Submission:

Ambry Genetics
Classification: Uncertain significance for Hereditary cancer-predisposing syndrome. Last evaluated: 2025-12-15. Review status: criteria provided, single submitter. Criteria: Ambry Variant Classification Scheme 2023. Collection method: clinical testing. Allele origin: germline.
Comment: The p.K577E variant (also known as c.1729A>G), located in coding exon 9 of the DICER1 gene, results from an A to G substitution at nucleotide position 1729. The lysine at codon 577 is replaced by glutamic acid, an amino acid with similar properties. This amino acid position is conserved. In addition, this alteration is predicted to be tolerated by in silico analysis. Based on the available evidence, the clinical significance of this variant remains unclear.